The following is an entry in ClinVar:

ClinVar aggregate classification (germline): Uncertain significance (1 of 4 stars; one submission).

gnomAD v4.1: 11 of 1,069,938 alleles (0.001%); highest among the groups gnomAD compares: Non-Finnish European, 0.0012%; no homozygotes.

Submission:

Labcorp Genetics (formerly Invitae), Labcorp
Classification: Uncertain significance. Last evaluated: 2023-04-17. Review status: criteria provided, single submitter. Criteria: Invitae Variant Classification Sherloc (09022015). Collection method: clinical testing. Allele origin: germline.
Comment: This sequence change replaces glycine, which is neutral and non-polar, with cysteine, which is neutral and slightly polar, at codon 954 of the GRIN2D protein (p.Gly954Cys). The frequency data for this variant in the population databases is considered unreliable, as metrics indicate insufficient coverage at this position in the gnomAD database. This variant has not been reported in the literature in individuals affected with GRIN2D-related conditions. Advanced modeling of protein sequence and biophysical properties (such as structural, functional, and spatial information, amino acid conservation, physicochemical variation, residue mobility, and thermodynamic stability) performed at Invitae indicates that this missense variant is not expected to disrupt GRIN2D protein function. In summary, the available evidence is currently insufficient to determine the role of this variant in disease. Therefore, it has been classified as a Variant of Uncertain Significance.

NM_000836.4(GRIN2D):c.2860G>T (p.Gly954Cys)

Gene: GRIN2D (glutamate ionotropic receptor NMDA type subunit 2D; plus strand). Cytogenetic location: 19q13.33.
Variant type: single nucleotide variant.
Coding change: c.2860G>T on transcript NM_000836.4 (MANE Select); coding-DNA position 2860, G replaced by T.
Protein change: p.Gly954Cys; replaces glycine 954 with cysteine.
Molecular consequence: missense variant.
Genome position (GRCh38, 1-based): chr19:48,442,786, G>T. VCF-style: chr19-48442786-G-T. GRCh37 (hg19) VCF-style: chr19-48946043-G-T.
Other names: short protein forms G954C.
Identifiers: ClinVar variation 2801171 (VCV002801171.3), dbSNP rs1282268596, ClinGen allele CA406674011.